The following is an entry in ClinVar:

NM_201550.4(LRRC10):c.435C>T (p.Leu145=)

Gene: LRRC10 (leucine rich repeat containing 10; minus strand). Cytogenetic location: 12q15.
Variant type: single nucleotide variant.
Coding change: c.435C>T on transcript NM_201550.4 (MANE Select); coding-DNA position 435, C replaced by T.
Protein change: p.Leu145=; no amino-acid change (leucine 145 retained).
Molecular consequence: synonymous variant.
Genome position (GRCh38, 1-based): chr12:69,610,404, G>A on the plus strand (C>T on the coding strand, the complement: LRRC10 is on the minus strand). VCF-style: chr12-69610404-G-A. GRCh37 (hg19) VCF-style: chr12-70004184-G-A.
Identifiers: ClinVar variation 4783769 (VCV004783769.1).

ClinVar aggregate classification (germline): Uncertain significance (1 of 4 stars; one submission).

Submission:

Labcorp Genetics (formerly Invitae), Labcorp
Classification: Uncertain significance. Last evaluated: 2025-04-17. Review status: criteria provided, single submitter. Criteria: Invitae Variant Classification Sherloc (09022015). Collection method: clinical testing. Allele origin: germline.
Comment: This sequence change affects codon 145 of the LRRC10 mRNA. It is a 'silent' change, meaning that it does not change the encoded amino acid sequence of the LRRC10 protein. This variant is not present in population databases (gnomAD no frequency). This variant has not been reported in the literature in individuals affected with LRRC10-related conditions. In summary, the available evidence is currently insufficient to determine the role of this variant in disease. Therefore, it has been classified as a Variant of Uncertain Significance.